The following is an entry in ClinVar:

ClinVar aggregate classification (germline): Pathogenic/Likely pathogenic. Review status: criteria provided, multiple submitters, no conflicts (2 of 4 stars). 3 submissions from 3 submitters: Pathogenic (1); Likely pathogenic (2). Last evaluated 2023-08-01.

Conditions:
Multiple congenital exostosis (EXT). Also called: Hereditary multiple osteochondromas; Multiple exostoses; Multiple osteochondromas; MULTIPLE CARTILAGINOUS EXOSTOSES; Hereditary multiple exostoses; Hereditary multiple exostosis. Identifiers: Orphanet 321, MedGen C0015306, MONDO:0005508, HP:0002762.

Submissions (3):

CeGaT Center for Human Genetics Tuebingen
Classification: Likely pathogenic. Last evaluated: 2023-08-01. Review status: criteria provided, single submitter. Criteria: CeGaT Center For Human Genetics Tuebingen Variant Classification Criteria Version 2. Collection method: clinical testing. Allele origin: germline. Affected: yes. Observed: 1 variant allele.
Comment: EXT1: PM2, PS4:Moderate, PVS1:Moderate, PP4

Labcorp Genetics (formerly Invitae), Labcorp
Classification: Pathogenic for Multiple congenital exostosis. Last evaluated: 2021-09-01. Review status: criteria provided, single submitter. Criteria: Invitae Variant Classification Sherloc (09022015). Collection method: clinical testing. Allele origin: germline.
Comment: ClinVar contains an entry for this variant (Variation ID: 191230). This sequence change creates a premature translational stop signal (p.Trp711*) in the EXT1 gene. While this is not anticipated to result in nonsense mediated decay, it is expected to disrupt the last 36 amino acid(s) of the EXT1 protein. This variant is not present in population databases (ExAC no frequency). This premature translational stop signal has been observed in individual(s) with multiple exostoses (PMID: 29620724; Invitae). Algorithms developed to predict the effect of sequence changes on RNA splicing suggest that this variant may create or strengthen a splice site. For these reasons, this variant has been classified as Pathogenic.

Genomic Medicine Center of Excellence, King Faisal Specialist Hospital and Research Centre
Classification: Likely pathogenic. Review status: criteria provided, single submitter. Criteria: ACMG Guidelines, 2015. Collection method: research. Allele origin: germline. Affected: yes.

Literature cited by the submitters: PubMed 29620724 (cited by Labcorp Genetics (formerly Invitae), Labcorp).

NM_000127.3(EXT1):c.2132G>A (p.Trp711Ter)

Gene: EXT1 (exostosin glycosyltransferase 1; minus strand). Cytogenetic location: 8q24.11.
Variant type: single nucleotide variant.
Coding change: c.2132G>A on transcript NM_000127.3 (MANE Select); coding-DNA position 2132, G replaced by A.
Protein change: p.Trp711Ter; replaces tryptophan 711 with a stop codon.
Molecular consequence: nonsense.
Genome position (GRCh38, 1-based): chr8:117,799,821, C>T on the plus strand (G>A on the coding strand, the complement: EXT1 is on the minus strand). VCF-style: chr8-117799821-C-T. GRCh37 (hg19) VCF-style: chr8-118812060-C-T.
Other names: short protein forms W711*.
Identifiers: ClinVar variation 191230 (VCV000191230.33), dbSNP rs786205593, ClinGen allele CA236312.